The following is an entry in ClinVar:

NM_001025295.3(IFITM5):c.31C>T (p.Arg11Trp)

Gene: IFITM5 (interferon induced transmembrane protein 5; minus strand). Cytogenetic location: 11p15.5.
Variant type: single nucleotide variant.
Coding change: c.31C>T on transcript NM_001025295.3 (MANE Select); coding-DNA position 31, C replaced by T.
Protein change: p.Arg11Trp; replaces arginine 11 with tryptophan.
Molecular consequence: missense variant.
Genome position (GRCh38, 1-based): chr11:299,460, G>A on the plus strand (C>T on the coding strand, the complement: IFITM5 is on the minus strand). VCF-style: chr11-299460-G-A. GRCh37 (hg19) VCF-style: chr11-299460-G-A.
Other names: c.31C>T (NM_001025295.1); short protein forms R11W.
Identifiers: ClinVar variation 594163 (VCV000594163.10), dbSNP rs915452062, ClinGen allele CA216904619.
Genomic context (GRCh38, chr11:299,460, plus strand): 5'-GGTGCGGGGCCCCCAGTGTGAGGGCTGTGTGGGCACCGGCCTTGCTGGGCGTGGGGGCCC[G>A]GGTGTCCTCGCGGGGATACGCCGTGTCCATGGGTTCCAGCGCCGTCTCTTCCACACTCAG-3'
Protein context (NP_001020466.1, residues 1-21): MDTAYPREDT[Arg11Trp]APTPSKAGAH

ClinVar aggregate classification (germline): Uncertain significance. Review status: criteria provided, multiple submitters, no conflicts (2 of 4 stars). 3 submissions from 3 submitters: Uncertain significance (3). Last evaluated 2025-10-14.

Conditions:
Inborn genetic diseases. Identifiers: MedGen C0950123, MeSH D030342.

Allele frequency attached by ClinVar (database versions not stated): gnomAD exomes 0.00002; gnomAD 0.00003; TOPMed 0.00003.

Submissions (3):

Ambry Genetics
Classification: Uncertain significance for Inborn genetic diseases. Last evaluated: 2025-10-14. Review status: criteria provided, single submitter. Criteria: Ambry Variant Classification Scheme 2023. Collection method: clinical testing. Allele origin: germline.

Labcorp Genetics (formerly Invitae), Labcorp
Classification: Uncertain significance. Last evaluated: 2023-11-29. Review status: criteria provided, single submitter. Criteria: Invitae Variant Classification Sherloc (09022015). Collection method: clinical testing. Allele origin: germline.
Comment: This sequence change replaces arginine, which is basic and polar, with tryptophan, which is neutral and slightly polar, at codon 11 of the IFITM5 protein (p.Arg11Trp). The frequency data for this variant in the population databases is considered unreliable, as metrics indicate poor data quality at this position in the gnomAD database. This variant has not been reported in the literature in individuals affected with IFITM5-related conditions. ClinVar contains an entry for this variant (Variation ID: 594163). An algorithm developed to predict the effect of missense changes on protein structure and function (PolyPhen-2) suggests that this variant is likely to be tolerated. In summary, the available evidence is currently insufficient to determine the role of this variant in disease. Therefore, it has been classified as a Variant of Uncertain Significance.

Eurofins Ntd Llc (ga)
Classification: Uncertain significance. Last evaluated: 2017-10-06. Review status: criteria provided, single submitter. Criteria: EGL Classification Definitions 2015. Collection method: clinical testing. Allele origin: germline. Observed: 1 variant allele, 1 heterozygote.